The following is an entry in ClinVar:

NM_005121.3(MED13):c.1573A>C (p.Thr525Pro)

Gene: MED13 (mediator complex subunit 13; minus strand). Cytogenetic location: 17q23.2.
Variant type: single nucleotide variant.
Coding change: c.1573A>C on transcript NM_005121.3 (MANE Select); coding-DNA position 1573, A replaced by C.
Protein change: p.Thr525Pro; replaces threonine 525 with proline.
Molecular consequence: missense variant.
Genome position (GRCh38, 1-based): chr17:62,010,944, T>G on the plus strand (A>C on the coding strand, the complement: MED13 is on the minus strand). VCF-style: chr17-62010944-T-G. GRCh37 (hg19) VCF-style: chr17-60088305-T-G.
Other names: short protein forms T525P.
Identifiers: ClinVar variation 3367226 (VCV003367226.1).
Genomic context (GRCh38, chr17:62,010,944, plus strand): 5'-CAACCACATCACAAGGGTGAGGACTAAGTGGGGGTGGTTGAGGTGAATTTGCCATTTCGG[T>G]GCCATGCATCTGAGGAGTCTTTGCTACATCATTAGTTCGGATATTTGAAAATCTCACTTG-3'
Protein context (NP_005112.2, residues 515-535): DVAKTPQMHG[Thr525Pro]EMANSPQPPP

ClinVar aggregate classification (germline): Uncertain significance (1 of 4 stars; one submission).

gnomAD v4.1: 8 of 1,612,654 alleles (0.0005%); highest among the groups gnomAD compares: Non-Finnish European, 0.00068%; no homozygotes.

Submission:

GeneDx
Classification: Uncertain significance. Last evaluated: 2024-01-03. Review status: criteria provided, single submitter. Criteria: GeneDx Variant Classification Process June 2021. Collection method: clinical testing. Allele origin: germline. Affected: yes.
Comment: Not observed at significant frequency in large population cohorts (gnomAD); In silico analysis supports that this missense variant does not alter protein structure/function; Has not been previously published as pathogenic or benign to our knowledge